The following is an entry in ClinVar:

ClinVar aggregate classification (germline): Uncertain significance (1 of 4 stars; one submission).

Submission:

Athena Diagnostics
Classification: Uncertain significance. Last evaluated: 2023-11-21. Review status: criteria provided, single submitter. Criteria: Athena Diagnostics Criteria. Collection method: clinical testing. Allele origin: unknown.
Comment: Available data are insufficient to determine the clinical significance of the variant at this time. This variant has not been reported in large, multi-ethnic general populations. Computational tools predict that this variant is damaging. The variant is located in a region that is considered important for protein function and/or structure.

NM_000545.8(HNF1A):c.379A>G (p.Asn127Asp)

Gene: HNF1A (HNF1 homeobox A; plus strand). Cytogenetic location: 12q24.31.
Variant type: single nucleotide variant.
Coding change: c.379A>G on transcript NM_000545.8 (MANE Select); coding-DNA position 379, A replaced by G.
Protein change: p.Asn127Asp; replaces asparagine 127 with aspartic acid.
Molecular consequence: missense variant.
Genome position (GRCh38, 1-based): chr12:120,988,885, A>G. VCF-style: chr12-120988885-A-G. GRCh37 (hg19) VCF-style: chr12-121426688-A-G.
Other names: c.379A>G, p.Asn127Asp (NM_001306179.2, NM_001406915.1); short protein forms N127D.
Identifiers: ClinVar variation 3571642 (VCV003571642.1).